The following is an entry in ClinVar:

NM_001440.4(EXTL3):c.839G>A (p.Arg280His)

Gene: EXTL3 (exostosin like glycosyltransferase 3; plus strand). Cytogenetic location: 8p21.1.
Variant type: single nucleotide variant.
Coding change: c.839G>A on transcript NM_001440.4 (MANE Select); coding-DNA position 839, G replaced by A.
Protein change: p.Arg280His; replaces arginine 280 with histidine.
Molecular consequence: missense variant.
Genome position (GRCh38, 1-based): chr8:28,716,898, G>A. VCF-style: chr8-28716898-G-A. GRCh37 (hg19) VCF-style: chr8-28574415-G-A.
Other names: short protein forms R280H.
Identifiers: ClinVar variation 1499873 (VCV001499873.8), dbSNP rs139633425, ClinGen allele CA4696075.

ClinVar aggregate classification (germline): Uncertain significance (1 of 4 stars; one submission).

Allele frequency attached by ClinVar (database versions not stated): gnomAD 0.00001 and 0.00003; 1000 Genomes Project 30x 0.00031; 1000 Genomes Project 0.00040.
gnomAD v4.1: 22 of 1,614,190 alleles (0.0014%); highest among the groups gnomAD compares: East Asian, 0.025%; no homozygotes.

Submission:

Labcorp Genetics (formerly Invitae), Labcorp
Classification: Uncertain significance. Last evaluated: 2022-09-19. Review status: criteria provided, single submitter. Criteria: Invitae Variant Classification Sherloc (09022015). Collection method: clinical testing. Allele origin: germline.
Comment: This variant is present in population databases (rs139633425, gnomAD 0.004%). This sequence change replaces arginine, which is basic and polar, with histidine, which is basic and polar, at codon 280 of the EXTL3 protein (p.Arg280His). This variant has not been reported in the literature in individuals affected with EXTL3-related conditions. In summary, the available evidence is currently insufficient to determine the role of this variant in disease. Therefore, it has been classified as a Variant of Uncertain Significance. Advanced modeling of protein sequence and biophysical properties (such as structural, functional, and spatial information, amino acid conservation, physicochemical variation, residue mobility, and thermodynamic stability) performed at Invitae indicates that this missense variant is not expected to disrupt EXTL3 protein function. ClinVar contains an entry for this variant (Variation ID: 1499873).